The following is an entry in ClinVar:

ClinVar aggregate classification (germline): Likely pathogenic. Review status: criteria provided, multiple submitters, no conflicts (2 of 4 stars). 2 submissions from 2 submitters: Likely pathogenic (2). Last evaluated 2025-10-27.

Conditions:
Familial dysautonomia. Also called: FD; HSAN III. Identifiers: Orphanet 1764, MedGen C0013364, MONDO:0009131, OMIM 223900. Disease mechanism: loss of function.

Allele frequency attached by ClinVar (database versions not stated): gnomAD 0.00001.
gnomAD v4.1: 1 of 1,613,844 alleles (0.000062%); highest among the groups gnomAD compares: South Asian, 0.0011%; no homozygotes.

Submissions (2):

Natera, Inc.
Classification: Likely pathogenic for Familial dysautonomia. Last evaluated: 2025-10-27. Review status: criteria provided, single submitter. Criteria: Natera Variant Classification Schema (03/2026). Collection method: clinical testing. Allele origin: germline.
Comment: The c.2736+1G>A variant in ELP1 is a canonical splice donor site variant predicted to affect pre-mRNA splicing, which may result in an abnormal transcript and altered protein product. This variant is expected to result in nonsense mediated decay, truncation, or a dysfunctional protein product. This variant is rare in the general population with a frequency below the threshold expected for the associated phenotype(s). Given the available evidence, this variant is classified as Likely Pathogenic.

Labcorp Genetics (formerly Invitae), Labcorp
Classification: Likely pathogenic. Last evaluated: 2023-11-24. Review status: criteria provided, single submitter. Criteria: Invitae Variant Classification Sherloc (09022015). Collection method: clinical testing. Allele origin: germline.
Comment: This sequence change affects a donor splice site in intron 25 of the ELP1 gene. It is expected to disrupt RNA splicing. Variants that disrupt the donor or acceptor splice site typically lead to a loss of protein function (PMID: 16199547), and loss-of-function variants in ELP1 are known to be pathogenic (PMID: 18303054, 24173031). This variant is not present in population databases (gnomAD no frequency). This variant has not been reported in the literature in individuals affected with ELP1-related conditions. Algorithms developed to predict the effect of sequence changes on RNA splicing suggest that this variant may disrupt the consensus splice site. In summary, the currently available evidence indicates that the variant is pathogenic, but additional data are needed to prove that conclusively. Therefore, this variant has been classified as Likely Pathogenic.

Literature cited by the submitters: PubMed 16199547 (cited by Labcorp Genetics (formerly Invitae), Labcorp); PubMed 18303054 (cited by Labcorp Genetics (formerly Invitae), Labcorp); PubMed 24173031 (cited by Labcorp Genetics (formerly Invitae), Labcorp).

NM_003640.5(ELP1):c.2736+1G>A

Gene: ELP1 (elongator acetyltransferase complex subunit 1; minus strand). Cytogenetic location: 9q31.3.
Variant type: single nucleotide variant.
Coding change: c.2736+1G>A on transcript NM_003640.5 (MANE Select); the canonical splice donor site of the intron after coding-DNA position 2736, G replaced by A.
Molecular consequence: splice donor variant.
Genome position (GRCh38, 1-based): chr9:108,896,495, C>T on the plus strand (G>A on the coding strand, the complement: ELP1 is on the minus strand). VCF-style: chr9-108896495-C-T. GRCh37 (hg19) VCF-style: chr9-111658775-C-T.
Other names: c.2736+1G>A (NM_003640.4); c.2394+1G>A (NM_001318360.2); c.1689+1G>A (NM_001330749.2).
Identifiers: ClinVar variation 3010248 (VCV003010248.4), dbSNP rs1828551795, ClinGen allele CA374419710.
Genomic context (GRCh38, chr9:108,896,495, plus strand): 5'-GTTTCACACTATCATTATATAAACAAGAACCAAATGGCATAAAAGTAAGAACTCCACATA[C>T]CTTCTGTGACTTCTCAGCTACCATGAGGACCAAATCAAAGTCATAGGTGCCAAGAGAATG-3'